The following is an entry in ClinVar:

ClinVar aggregate classification (germline): Uncertain significance. Review status: criteria provided, multiple submitters, no conflicts (2 of 4 stars). 3 submissions from 3 submitters: Uncertain significance (3). Last evaluated 2024-11-30.

Conditions:
Emery-Dreifuss muscular dystrophy 5, autosomal dominant (EDMD5). Also called: EMERY-DREIFUSS MUSCULAR DYSTROPHY 5. Identifiers: Orphanet 261, MedGen C2751805, MONDO:0013072, OMIM 612999.

Allele frequency attached by ClinVar (database versions not stated): gnomAD 0.00002; TOPMed 0.00002; gnomAD exomes 0.00004; ExAC 0.00005.
gnomAD v4.1: 66 of 1,613,996 alleles (0.0041%); highest among the groups gnomAD compares: Middle Eastern, 0.016%; no homozygotes.

Submissions (3):

Labcorp Genetics (formerly Invitae), Labcorp
Classification: Uncertain significance for Emery-Dreifuss muscular dystrophy 5, autosomal dominant. Last evaluated: 2024-11-30. Review status: criteria provided, single submitter. Criteria: Invitae Variant Classification Sherloc (09022015). Collection method: clinical testing. Allele origin: germline.
Comment: This sequence change replaces arginine, which is basic and polar, with tryptophan, which is neutral and slightly polar, at codon 6845 of the SYNE2 protein (p.Arg6845Trp). This variant is present in population databases (rs769789774, gnomAD 0.006%). This variant has not been reported in the literature in individuals affected with SYNE2-related conditions. ClinVar contains an entry for this variant (Variation ID: 2436814). An algorithm developed to predict the effect of missense changes on protein structure and function (PolyPhen-2) suggests that this variant is likely to be disruptive. In summary, the available evidence is currently insufficient to determine the role of this variant in disease. Therefore, it has been classified as a Variant of Uncertain Significance.

Ambry Genetics
Classification: Uncertain significance. Last evaluated: 2023-06-21. Review status: criteria provided, single submitter. Criteria: Ambry Variant Classification Scheme 2023. Collection method: clinical testing. Allele origin: germline.

Revvity Omics, Revvity
Classification: Uncertain significance for Emery-Dreifuss muscular dystrophy 5, autosomal dominant. Last evaluated: 2019-08-05. Review status: criteria provided, single submitter. Criteria: ACMG Guidelines, 2015. Collection method: clinical testing. Allele origin: germline.

NM_182914.3(SYNE2):c.20533C>T (p.Arg6845Trp)

Gene: SYNE2 (spectrin repeat containing nuclear envelope protein 2; plus strand). Cytogenetic location: 14q23.2.
Variant type: single nucleotide variant.
Coding change: c.20533C>T on transcript NM_182914.3 (MANE Select); coding-DNA position 20533, C replaced by T.
Protein change: p.Arg6845Trp; replaces arginine 6845 with tryptophan.
Molecular consequence: missense variant.
Genome position (GRCh38, 1-based): chr14:64,225,335, C>T. VCF-style: chr14-64225335-C-T. GRCh37 (hg19) VCF-style: chr14-64692053-C-T.
Other names: c.20467C>T, p.Arg6823Trp (NM_015180.6); c.1099C>T, p.Arg367Trp (NM_182910.2); c.1480C>T, p.Arg494Trp (NM_182913.4); short protein forms R367W, R494W, R6823W, R6845W.
Identifiers: ClinVar variation 2436814 (VCV002436814.7), dbSNP rs769789774, ClinGen allele CA7224938.